The following is an entry in ClinVar:

NM_000070.3(CAPN3):c.1202A>G (p.Tyr401Cys)

Gene: CAPN3 (calpain 3; plus strand). Cytogenetic location: 15q15.1.
Variant type: single nucleotide variant.
Coding change: c.1202A>G on transcript NM_000070.3 (MANE Select); coding-DNA position 1202, A replaced by G.
Protein change: p.Tyr401Cys; replaces tyrosine 401 with cysteine.
Molecular consequence: missense variant.
Genome position (GRCh38, 1-based): chr15:42,399,500, A>G. VCF-style: chr15-42399500-A-G. GRCh37 (hg19) VCF-style: chr15-42691698-A-G.
Other names: c.1202A>G, p.Tyr401Cys (NM_024344.2); c.1058A>G, p.Tyr353Cys (NM_173087.2); short protein forms Y401C, Y353C.
Identifiers: ClinVar variation 553468 (VCV000553468.20), dbSNP rs371784007, ClinGen allele CA7511292.

ClinVar aggregate classification (germline): Conflicting classifications of pathogenicity. Review status: criteria provided, conflicting classifications (1 of 4 stars). 8 submissions from 8 submitters: Likely pathogenic (5); Uncertain significance (2). 1 of the submissions does not count toward it. Last evaluated 2026-02-05.

Conditions:
Autosomal recessive limb-girdle muscular dystrophy type 2A (LGMDR1). Also called: Limb-girdle muscular dystrophy, type 2A; Calpainopathy; Muscular dystrophy, limb-girdle, type 2A, Amish; LEYDEN-MOEBIUS MUSCULAR DYSTROPHY; MUSCULAR DYSTROPHY, PELVOFEMORAL. Identifiers: Orphanet 267, MedGen C1869123, MONDO:0009675, OMIM 253600. Disease mechanism: loss of function.
Muscular dystrophy, limb-girdle, autosomal dominant 4. Also called: Calpain-3-related limb-girdle muscular dystrophy D4; MUSCULAR DYSTROPHY, LIMB-GIRDLE, TYPE 1I. Identifiers: Orphanet 565909, MedGen C4748295, MONDO:0029133, OMIM 618129.

Allele frequency attached by ClinVar (database versions not stated): ExAC 0.00002; gnomAD 0.00002; TOPMed 0.00005; ESP Exome Variant Server 0.00008.
gnomAD v4.1: 21 of 1,613,008 alleles (0.0013%); highest among the groups gnomAD compares: African/African-American, 0.004%; no homozygotes.

Submissions (8):

Department of Genetics, Rouen University Hospital, Normandy Center for Genomic and Personalized Medicine
Classification: Uncertain significance for Autosomal recessive limb-girdle muscular dystrophy type 2A. Last evaluated: 2026-02-05. Review status: criteria provided, single submitter. Criteria: ACMG Guidelines, 2015. Collection method: clinical testing. Allele origin: unknown. Affected: yes.

Natera, Inc.
Classification: Likely pathogenic for Limb-girdle muscular dystrophy type 2A. Last evaluated: 2025-09-05. Review status: criteria provided, single submitter. Criteria: Natera Variant Classification Schema (03/2026). Collection method: clinical testing. Allele origin: germline.
Comment: The c.1202A>G variant in CAPN3 is a missense variant predicted to cause substitution of tyrosine to cysteine at amino acid 401. This variant is rare in the general population with a frequency below the threshold expected for the associated phenotype(s). This variant has been observed in one or more individuals affected with the associated recessive disease, as either homozygous or compound heterozygous with a second variant (PMID: 27500519, 19556129, 15689361, 27066573). Computational prediction algorithms indicate this variant is likely to affect gene or protein function. Given the available evidence, this variant is classified as Likely Pathogenic.

Labcorp Genetics (formerly Invitae), Labcorp
Classification: Likely pathogenic for Autosomal recessive limb-girdle muscular dystrophy type 2A. Last evaluated: 2025-07-08. Review status: criteria provided, single submitter. Criteria: Invitae Variant Classification Sherloc (09022015). Collection method: clinical testing. Allele origin: germline.
Comment: This sequence change replaces tyrosine, which is neutral and polar, with cysteine, which is neutral and slightly polar, at codon 401 of the CAPN3 protein (p.Tyr401Cys). This variant is present in population databases (rs371784007, gnomAD 0.01%). This missense change has been observed in individual(s) with clinical features of autosomal recessive limb-girdle muscular dystrophy (PMID: 15689361, 19556129, 27066573). ClinVar contains an entry for this variant (Variation ID: 553468). Invitae Evidence Modeling of protein sequence and biophysical properties (such as structural, functional, and spatial information, amino acid conservation, physicochemical variation, residue mobility, and thermodynamic stability) indicates that this missense variant is expected to disrupt CAPN3 protein function with a positive predictive value of 80%. This variant disrupts the p.Tyr401 amino acid residue in CAPN3. Other variant(s) that disrupt this residue have been determined to be pathogenic (PMID: 33337384; internal data). This suggests that this residue is clinically significant, and that variants that disrupt this residue are likely to be disease-causing. In summary, the currently available evidence indicates that the variant is pathogenic, but additional data are needed to prove that conclusively. Therefore, this variant has been classified as Likely Pathogenic.

GeneDx
Classification: Likely pathogenic. Last evaluated: 2024-10-31. Review status: criteria provided, single submitter. Criteria: GeneDx Variant Classification Process June 2021. Collection method: clinical testing. Allele origin: germline. Affected: yes.
Comment: Not observed at significant frequency in large population cohorts (gnomAD); In silico analysis supports that this missense variant has a deleterious effect on protein structure/function; This variant is associated with the following publications: (PMID: 27066573, 15689361, 19556129)

Fulgent Genetics
Classification: Likely pathogenic for Autosomal recessive limb-girdle muscular dystrophy type 2A; Muscular dystrophy, limb-girdle, autosomal dominant 4. Last evaluated: 2024-01-31. Review status: criteria provided, single submitter. Criteria: ACMG Guidelines, 2015. Collection method: clinical testing. Allele origin: germline.

Revvity Omics, Revvity
Classification: Likely pathogenic. Last evaluated: 2024-01-05. Review status: criteria provided, single submitter. Criteria: ACMG Guidelines, 2015. Collection method: clinical testing. Allele origin: germline.

Eurofins Ntd Llc (ga)
Classification: Uncertain significance. Last evaluated: 2017-08-22. Review status: criteria provided, single submitter. Criteria: EGL Classification Definitions 2015. Collection method: clinical testing. Allele origin: germline. Observed: 1 variant allele, 1 heterozygote.

Counsyl
Classification: Uncertain significance for Autosomal recessive limb-girdle muscular dystrophy type 2A. Last evaluated: 2017-08-30. Review status: no assertion criteria provided. Collection method: clinical testing. Allele origin: unknown. Not counted in ClinVar's aggregate classification.

Literature cited by the submitters: PubMed 27500519 (cited by Natera, Inc.); PubMed 19556129 (cited by 3 submitters); PubMed 15689361 (cited by 3 submitters); PubMed 27066573 (cited by 3 submitters); PubMed 33337384 (cited by Labcorp Genetics (formerly Invitae), Labcorp).